The following is an entry in ClinVar:

ClinVar aggregate classification (germline): Uncertain significance. Review status: criteria provided, multiple submitters, no conflicts (2 of 4 stars). 2 submissions from 2 submitters: Uncertain significance (2). Last evaluated 2025-07-15.

Conditions:
Inborn genetic diseases. Identifiers: MedGen C0950123, MeSH D030342.

Allele frequency attached by ClinVar (database versions not stated): gnomAD exomes below 0.00001.

Submissions (2):

Ambry Genetics
Classification: Uncertain significance for Inborn genetic diseases. Last evaluated: 2025-07-15. Review status: criteria provided, single submitter. Criteria: Ambry Variant Classification Scheme 2023. Collection method: clinical testing. Allele origin: germline.

Labcorp Genetics (formerly Invitae), Labcorp
Classification: Uncertain significance. Last evaluated: 2022-06-27. Review status: criteria provided, single submitter. Criteria: Invitae Variant Classification Sherloc (09022015). Collection method: clinical testing. Allele origin: germline.
Comment: This sequence change replaces glycine, which is neutral and non-polar, with arginine, which is basic and polar, at codon 417 of the PRDM13 protein (p.Gly417Arg). This variant is not present in population databases (gnomAD no frequency). This variant has not been reported in the literature in individuals affected with PRDM13-related conditions. Algorithms developed to predict the effect of missense changes on protein structure and function are either unavailable or do not agree on the potential impact of this missense change (SIFT: "Deleterious"; PolyPhen-2: "Benign"; Align-GVGD: "Class C15"). In summary, the available evidence is currently insufficient to determine the role of this variant in disease. Therefore, it has been classified as a Variant of Uncertain Significance.

NM_021620.4(PRDM13):c.1249G>A (p.Gly417Arg)

Gene: PRDM13 (PR/SET domain 13; plus strand). Cytogenetic location: 6q16.2.
Variant type: single nucleotide variant.
Coding change: c.1249G>A on transcript NM_021620.4 (MANE Select); coding-DNA position 1249, G replaced by A.
Protein change: p.Gly417Arg; replaces glycine 417 with arginine.
Molecular consequence: missense variant.
Genome position (GRCh38, 1-based): chr6:99,613,884, G>A. VCF-style: chr6-99613884-G-A. GRCh37 (hg19) VCF-style: chr6-100061760-G-A.
Other names: c.1249G>A (NM_021620.3); short protein forms G417R.
Identifiers: ClinVar variation 1510941 (VCV001510941.7), dbSNP rs2114500731, ClinGen allele CA365118005.